The following is an entry in ClinVar:

ClinVar aggregate classification (germline): Likely pathogenic (1 of 4 stars; one submission).

Submission:

Labcorp Genetics (formerly Invitae), Labcorp
Classification: Likely pathogenic. Last evaluated: 2023-08-23. Review status: criteria provided, single submitter. Criteria: Invitae Variant Classification Sherloc (09022015). Collection method: clinical testing. Allele origin: germline.
Comment: In summary, the currently available evidence indicates that the variant is pathogenic, but additional data are needed to prove that conclusively. Therefore, this variant has been classified as Likely Pathogenic. Algorithms developed to predict the effect of sequence changes on RNA splicing suggest that this variant may disrupt the consensus splice site. This variant has not been reported in the literature in individuals affected with CLTC-related conditions. This variant is not present in population databases (gnomAD no frequency). This sequence change affects an acceptor splice site in intron 19 of the CLTC gene. It is expected to disrupt RNA splicing. Variants that disrupt the donor or acceptor splice site typically lead to a loss of protein function (PMID: 16199547), and loss-of-function variants in CLTC are known to be pathogenic (PMID: 29100083).

Literature cited by the submitters: PubMed 16199547; PubMed 29100083.

NM_004859.4(CLTC):c.3066-2A>G

Gene: CLTC (clathrin heavy chain; plus strand). Cytogenetic location: 17q23.1.
Variant type: single nucleotide variant.
Coding change: c.3066-2A>G on transcript NM_004859.4 (MANE Select); the canonical splice acceptor site of the intron before coding-DNA position 3066, A replaced by G.
Molecular consequence: splice acceptor variant.
Genome position (GRCh38, 1-based): chr17:59,681,293, A>G. VCF-style: chr17-59681293-A-G. GRCh37 (hg19) VCF-style: chr17-57758654-A-G.
Other names: c.3078-2A>G (NM_001288653.2).
Identifiers: ClinVar variation 2840018 (VCV002840018.3), dbSNP rs2509150617, ClinGen allele CA400416923.